The following is an entry in ClinVar:

NM_007294.4(BRCA1):c.5558A>C (p.Tyr1853Ser)

Gene: BRCA1 (BRCA1 DNA repair associated; minus strand). Cytogenetic location: 17q21.31.
Variant type: single nucleotide variant.
Coding change: c.5558A>C on transcript NM_007294.4 (MANE Select); coding-DNA position 5558, A replaced by C.
Protein change: p.Tyr1853Ser; replaces tyrosine 1853 with serine.
Molecular consequence: missense variant. On other transcripts: 3 prime UTR variant (1), non-coding transcript variant (1).
Genome position (GRCh38, 1-based): chr17:43,045,712, T>G on the plus strand (A>C on the coding strand, the complement: BRCA1 is on the minus strand). VCF-style: chr17-43045712-T-G. GRCh37 (hg19) VCF-style: chr17-41197729-T-G.
Other names: c.5552A>C, p.Tyr1851Ser (NM_001407636.1, NM_001407637.1, NM_001407638.1 and 13 more transcripts); c.5549A>C, p.Tyr1850Ser (NM_001407644.1, NM_001407645.1); c.5546A>C, p.Tyr1849Ser (NM_001407646.1); c.5477A>C, p.Tyr1826Ser (NM_001407658.1, NM_001407656.1, NM_001407657.1); c.5474A>C, p.Tyr1825Ser (NM_001407659.1, NM_001407660.1, NM_001407661.1 and 2 more transcripts); c.5435A>C, p.Tyr1812Ser (NM_001407664.1, NM_001407665.1, NM_001407666.1 and 3 more transcripts); c.5432A>C, p.Tyr1811Ser (NM_001407677.1, NM_001407678.1, NM_001407679.1 and 8 more transcripts); c.5429A>C, p.Tyr1810Ser (NM_001407681.1, NM_001407682.1, NM_001407683.1 and 6 more transcripts); and 74 more; short protein forms Y1853S, Y749S, Y1806S, Y1874S, Y1556S, Y1725S, Y1726S, Y1763S.
Identifiers: ClinVar variation 865016 (VCV000865016.5), dbSNP rs80357258, ClinGen allele CA10590206.
Genomic context (GRCh38, chr17:43,045,712, plus strand): 5'-GGCTCTGTACCTGTGGCTGGCTGCAGTCAGTAGTGGCTGTGGGGGATCTGGGGTATCAGG[T>G]AGGTGTCCAGCTCCTGGCACTGGTAGAGTGCTACACTGTCCAACACCCACTCTCGGGTCA-3'
Protein context (NP_009225.1, residues 1843-1863): ALYQCQELDT[Tyr1853Ser]LIPQIPHSHY

ClinVar aggregate classification (germline): Likely pathogenic (1 of 4 stars; one submission).

Conditions:
Hereditary cancer-predisposing syndrome. Also called: Tumor predisposition; Hereditary Cancer Syndrome; Hereditary neoplastic syndrome; Neoplastic Syndromes, Hereditary. Identifiers: Orphanet 140162, MedGen C0027672, MeSH D009386, MONDO:0015356.

Submissions (2):

Ambry Genetics
Classification: Likely pathogenic for Hereditary cancer-predisposing syndrome. Last evaluated: 2020-09-10. Review status: criteria provided, single submitter. Criteria: Ambry Variant Classification Scheme 2023. Collection method: clinical testing. Allele origin: germline.
Comment: The p.Y1853S variant (also known as c.5558A>C), located in coding exon 22 of the BRCA1 gene, results from an A to C substitution at nucleotide position 5558. The tyrosine at codon 1853 is replaced by serine, an amino acid with dissimilar properties. One functional study found that this nucleotide substitution is deleterious in a high throughput genome editing haploid cell survival assay (Findlay GM et al. Nature, 2018 10;562:217-222). Additionally, internal structural analysis demonstrated that this alteration disrupts local structure near the peptide binding interface (Ambry internal data; Clapperton JA et al. Nat. Struct. Mol. Biol., 2004 Jun;11:512-8). This variant was not reported in population-based cohorts in the Genome Aggregation Database (gnomAD). This amino acid position is highly conserved in available vertebrate species. In addition, this alteration is predicted to be deleterious by in silico analysis. Based on the majority of available evidence to date, this variant is likely to be pathogenic.

Brotman Baty Institute, University of Washington
No classification provided (evidence only). Condition: Breast-ovarian cancer, familial 1. Review status: no classification provided. Collection method: in vitro. Allele origin: not applicable. Functional consequence: functionally_abnormal. Not counted in ClinVar's aggregate classification.
ClinVar note: "not provided" was previously submitted as the classification for the variant. However, the classification appeared to be based only on an observation of functional data so it was converted to no classification on 2025-07-30.

Literature cited by the submitters: PubMed 15133502 (cited by Ambry Genetics); PubMed 30209399 (cited by Ambry Genetics).